The following is an entry in ClinVar:

ClinVar aggregate classification (germline): Uncertain significance (1 of 4 stars; one submission).

Conditions:
Glycogen storage disease, type II (IOPD). Also called: Pompe Disease; CARDIOMEGALIA GLYCOGENICA DIFFUSA; GLYCOGENOSIS, GENERALIZED, CARDIAC FORM; GSD II; POMPE DISEASE, INFANTILE-ONSET; GLYCOGEN STORAGE DISEASE II, INFANTILE-ONSET. Identifiers: Orphanet 365, MedGen C0017921, MONDO:0009290, OMIM 232300.

Submission:

Genomenon, Inc
Classification: Uncertain significance for Glycogen storage disease, type II. Last evaluated: 2026-07-01. Review status: criteria provided, single submitter. Criteria: Genomenon Sequence Variant Interpretation Standards - Updated. Collection method: curation. Allele origin: germline. Affected: yes.
Comment: GAA p.Ile598Phe (c.1792A>T) is a missense variant that changes the amino acid at codon 598 from Isoleucine to Phenylalanine. This variant has been observed in at least one proband with a GAA-related disorder in the compound heterozygous and/or homozygous state (PMID:33741225). It is absent or not present at a significant frequency in gnomAD. In conclusion, we classify GAA p.Ile598Phe (c.1792A>T) as a variant of uncertain significance.

Literature cited by the submitters: PubMed 33741225.

NM_000152.5(GAA):c.1792A>T (p.Ile598Phe)

Gene: GAA (alpha glucosidase; plus strand). Cytogenetic location: 17q25.3.
Variant type: single nucleotide variant.
Coding change: c.1792A>T on transcript NM_000152.5 (MANE Select); coding-DNA position 1792, A replaced by T.
Protein change: p.Ile598Phe; replaces isoleucine 598 with phenylalanine.
Molecular consequence: missense variant.
Genome position (GRCh38, 1-based): chr17:80,112,615, A>T. VCF-style: chr17-80112615-A-T. GRCh37 (hg19) VCF-style: chr17-78086414-A-T.
Other names: c.1792A>T, p.Ile598Phe (NM_001079803.3, NM_001079804.3, NM_001406741.1 and 1 more transcripts); short protein forms I598F.
Identifiers: ClinVar variation 4876562 (VCV004876562.1).